The following is an entry in ClinVar:

NM_000492.4(CFTR):c.1909C>A (p.Gln637Lys)

Gene: CFTR (CF transmembrane conductance regulator; plus strand). Cytogenetic location: 7q31.2.
Variant type: single nucleotide variant.
Coding change: c.1909C>A on transcript NM_000492.4 (MANE Select); coding-DNA position 1909, C replaced by A.
Protein change: p.Gln637Lys; replaces glutamine 637 with lysine.
Molecular consequence: missense variant.
Genome position (GRCh38, 1-based): chr7:117,592,076, C>A. VCF-style: chr7-117592076-C-A. GRCh37 (hg19) VCF-style: chr7-117232130-C-A.
Other names: c.1909C>A (NM_000492.3); short protein forms Q637K.
Identifiers: ClinVar variation 1053748 (VCV001053748.7), dbSNP rs397508320, ClinGen allele CA368978753.
Genomic context (GRCh38, chr7:117,592,076, plus strand): 5'-TTAATTTTGCATGAAGGTAGCAGCTATTTTTATGGGACATTTTCAGAACTCCAAAATCTA[C>A]AGCCAGACTTTAGCTCAAAACTCATGGGATGTGATTCTTTCGACCAATTTAGTGCAGAAA-3'
Protein context (NP_000483.3, residues 627-647): YGTFSELQNL[Gln637Lys]PDFSSKLMGC

ClinVar aggregate classification (germline): Uncertain significance. Review status: criteria provided, multiple submitters, no conflicts (2 of 4 stars). 2 submissions from 2 submitters: Uncertain significance (2). Last evaluated 2023-03-01.

Conditions:
Cystic fibrosis (CF). Also called: MUCOVISCIDOSIS. Identifiers: Orphanet 586, MedGen C0010674, MONDO:0009061, OMIM 219700. Disease mechanism: loss of function.

Allele frequency attached by ClinVar (database versions not stated): gnomAD exomes below 0.00001.
gnomAD v4.1: 4 of 1,612,422 alleles (0.00025%); highest among the groups gnomAD compares: Non-Finnish European, 0.00034%; no homozygotes.

Submissions (2):

Ambry Genetics
Classification: Uncertain significance for Cystic fibrosis. Last evaluated: 2023-03-01. Review status: criteria provided, single submitter. Criteria: Ambry Variant Classification Scheme 2023. Collection method: clinical testing. Allele origin: germline.
Comment: The p.Q637K variant (also known as c.1909C>A), located in coding exon 14 of the CFTR gene, results from a C to A substitution at nucleotide position 1909. The glutamine at codon 637 is replaced by lysine, an amino acid with similar properties. This amino acid position is poorly conserved in available vertebrate species. In addition, this alteration is predicted to be tolerated by in silico analysis. Since supporting evidence is limited at this time, the clinical significance of this alteration remains unclear.

Labcorp Genetics (formerly Invitae), Labcorp
Classification: Uncertain significance for Cystic fibrosis. Last evaluated: 2022-08-09. Review status: criteria provided, single submitter. Criteria: Invitae Variant Classification Sherloc (09022015). Collection method: clinical testing. Allele origin: germline.
Comment: This sequence change replaces glutamine, which is neutral and polar, with lysine, which is basic and polar, at codon 637 of the CFTR protein (p.Gln637Lys). This variant is not present in population databases (gnomAD no frequency). This variant has not been reported in the literature in individuals affected with CFTR-related conditions. ClinVar contains an entry for this variant (Variation ID: 1053748). Algorithms developed to predict the effect of missense changes on protein structure and function (SIFT, PolyPhen-2, Align-GVGD) all suggest that this variant is likely to be tolerated. In summary, the available evidence is currently insufficient to determine the role of this variant in disease. Therefore, it has been classified as a Variant of Uncertain Significance.